The following is an entry in ClinVar:

NM_000069.3(CACNA1S):c.288C>T (p.Val96=)

Gene: CACNA1S (calcium voltage-gated channel subunit alpha1 S; minus strand). Cytogenetic location: 1q32.1.
Variant type: single nucleotide variant.
Coding change: c.288C>T on transcript NM_000069.3 (MANE Select); coding-DNA position 288, C replaced by T.
Protein change: p.Val96=; no amino-acid change (valine 96 retained).
Molecular consequence: synonymous variant.
Genome position (GRCh38, 1-based): chr1:201,093,992, G>A on the plus strand (C>T on the coding strand, the complement: CACNA1S is on the minus strand). VCF-style: chr1-201093992-G-A. GRCh37 (hg19) VCF-style: chr1-201063120-G-A.
Identifiers: ClinVar variation 700525 (VCV000700525.14), dbSNP rs548832647, ClinGen allele CA079360.
Genomic context (GRCh38, chr1:201,093,992, plus strand): 5'-AGCGTCCTGGTGGAATAAGAAGCCGTAGGCAATGATCTTCATGGCGGCTTCAATCGAGAA[G>A]ACAATGAGGAAGAAATACTCCAGCTTCTCCTGTGGGAGCAAACGTGGTCACAGCATGCCT-3'
Protein context (NP_000060.2, residues 86-106): LEKLEYFFLI[Val96=]FSIEAAMKII

ClinVar aggregate classification (germline): Conflicting classifications of pathogenicity. Review status: criteria provided, conflicting classifications (1 of 4 stars). 4 submissions from 4 submitters: Uncertain significance (1); Likely benign (3). Last evaluated 2026-01-26.

Conditions:
Malignant hyperthermia, susceptibility to, 5 (MHS5). Also called: CACNA1S-Related Malignant Hyperthermia Susceptibility. Identifiers: Orphanet 423, MedGen C1866077, MONDO:0011163, OMIM 601887.
Hypokalemic periodic paralysis, type 1. Also called: Hypokalemic Periodic Paralysis Type 1 (AD); HypoPP. Identifiers: Orphanet 681, MedGen C3714580, MONDO:0042979, OMIM 170400.

Allele frequency attached by ClinVar (database versions not stated): ExAC 0.00001; gnomAD 0.00001; gnomAD exomes 0.00001; TOPMed 0.00002.
gnomAD v4.1: 23 of 1,614,100 alleles (0.0014%); highest among the groups gnomAD compares: Middle Eastern, 0.082%; no homozygotes.

Submissions (4):

Labcorp Genetics (formerly Invitae), Labcorp
Classification: Likely benign for Hypokalemic periodic paralysis, type 1; Malignant hyperthermia, susceptibility to, 5. Last evaluated: 2026-01-26. Review status: criteria provided, single submitter. Criteria: Invitae Variant Classification Sherloc (09022015). Collection method: clinical testing. Allele origin: germline.

Color Diagnostics, LLC DBA Color Health
Classification: Likely benign for Malignant hyperthermia, susceptibility to, 5. Last evaluated: 2025-07-01. Review status: criteria provided, single submitter. Criteria: ACMG Guidelines, 2015. Collection method: clinical testing. Allele origin: germline.

Blueprint Genetics
Classification: Likely benign. Last evaluated: 2024-02-22. Review status: criteria provided, single submitter. Criteria: ACMG Guidelines, 2015. Collection method: clinical testing. Allele origin: germline.

All of Us Research Program, National Institutes of Health
Classification: Uncertain significance for Malignant hyperthermia, susceptibility to, 5. Last evaluated: 2023-11-20. Review status: criteria provided, single submitter. Criteria: ACMG Guidelines, 2015. Collection method: clinical testing. Allele origin: germline. Inheritance: Autosomal dominant inheritance. Observed: 6 variant alleles, 6 heterozygotes.
Comment: This variant is located in the CACNA1S protein. To our knowledge, functional studies have not been reported for this variant. This variant has not been reported in individuals affected with CACNA1S-related disorders in the literature. This variant has been identified in 3/251486 chromosomes in the general population by the Genome Aggregation Database (gnomAD). The available evidence is insufficient to determine the role of this variant in disease conclusively. Therefore, this variant is classified as a Variant of Uncertain Significance.

This study involves interpretation of variants in research participants for the purpose of population health screening. Participant phenotype was not available at the time of variant classification. Additional details can be found in publication PMID: 35346344, PMCID: PMC8962531